The following is an entry in ClinVar:

ClinVar aggregate classification (germline): Benign. Review status: criteria provided, multiple submitters, no conflicts (2 of 4 stars). 7 submissions from 7 submitters: Benign (6). 1 of the submissions does not count toward it. Last evaluated 2026-02-04.

Conditions:
Mucopolysaccharidosis, MPS-III-A (MPS3A). Also called: SANFILIPPO SYNDROME A; SULFAMIDASE DEFICIENCY; MPS III A; mucopolysaccharidosis type 3A; HEPARAN SULFATE SULFATASE DEFICIENCY; MPS IIIA (Sanfilippo Syndrome Type A). Identifiers: Orphanet 581, Orphanet 79269, MedGen C0086647, MONDO:0009655, OMIM 252900.

Allele frequency attached by ClinVar (database versions not stated): 1000 Genomes Project 0.01458; ExAC 0.00430; gnomAD 0.01289 and 0.01381; TOPMed 0.01491; gnomAD exomes 0.00345; ESP Exome Variant Server 0.01538; 1000 Genomes Project 30x 0.01608.

Submissions (7):

Labcorp Genetics (formerly Invitae), Labcorp
Classification: Benign for Mucopolysaccharidosis, MPS-III-A. Last evaluated: 2026-02-04. Review status: criteria provided, single submitter. Criteria: Invitae Variant Classification Sherloc (09022015). Collection method: clinical testing. Allele origin: germline.

Genome-Nilou Lab
Classification: Benign for Mucopolysaccharidosis, MPS-III-A. Last evaluated: 2021-11-07. Review status: criteria provided, single submitter. Criteria: ACMG Guidelines, 2015. Collection method: clinical testing. Allele origin: germline. Affected: no.

SIB Swiss Institute of Bioinformatics
Classification: Benign. Last evaluated: 2018-05-31. Review status: criteria provided, single submitter. Criteria: ACMG Guidelines, 2015. Collection method: curation. Allele origin: unknown.
Comment: This variant is interpreted as a Benign. The following ACMG Tag(s) were applied: BS1 => Allele frequency is greater than expected for disorder. BS2 => Observed in a healthy adult individual for a recessive (homozygous), dominant (heterozygous), or X-linked (hemizygous) disorder, with full penetrance expected at an early age.

Illumina Laboratory Services, Illumina
Classification: Benign for Mucopolysaccharidosis, MPS-III-A. Last evaluated: 2018-01-12. Review status: criteria provided, single submitter. Criteria: ICSL Variant Classification Criteria 13 December 2019. Collection method: clinical testing. Allele origin: germline.
Comment: This variant was observed in the ICSL laboratory as part of a predisposition screen in an ostensibly healthy population. It had not been previously curated by ICSL or reported in the Human Gene Mutation Database (HGMD: prior to June 1st, 2018), and was therefore a candidate for classification through an automated scoring system. Utilizing variant allele frequency, disease prevalence and penetrance estimates, and inheritance mode, an automated score was calculated to assess if this variant is too frequent to cause the disease. Based on the score and internal cut-off values, a variant classified as benign is not then subjected to further curation. The score for this variant resulted in a classification of benign for this disease.

Breakthrough Genomics
Classification: Benign. Review status: criteria provided, single submitter. Criteria: ACMG Guidelines, 2015. Collection method: not provided. Allele origin: germline. Inheritance: Autosomal recessive inheritance. Affected: yes.

PreventionGenetics, part of Exact Sciences
Classification: Benign. Review status: criteria provided, single submitter. Criteria: ACMG Guidelines, 2015. Collection method: clinical testing. Allele origin: germline.

Mayo Clinic Laboratories, Mayo Clinic
Classification: Benign. Last evaluated: 2016-07-27. Review status: no assertion criteria provided. Collection method: clinical testing. Allele origin: unknown. Not counted in ClinVar's aggregate classification.

NM_000199.5(SGSH):c.1182G>T (p.Met394Ile)

Gene: SGSH (N-sulfoglucosamine sulfohydrolase; minus strand). Cytogenetic location: 17q25.3.
Variant type: single nucleotide variant.
Coding change: c.1182G>T on transcript NM_000199.5 (MANE Select); coding-DNA position 1182, G replaced by T.
Protein change: p.Met394Ile; replaces methionine 394 with isoleucine.
Molecular consequence: missense variant. On other transcripts: 3 prime UTR variant (2), non-coding transcript variant (1).
Genome position (GRCh38, 1-based): chr17:80,210,779, C>A on the plus strand (G>T on the coding strand, the complement: SGSH is on the minus strand). VCF-style: chr17-80210779-C-A. GRCh37 (hg19) VCF-style: chr17-78184578-C-A.
Other names: NM_000199.3(SGSH):c.1182G>T(p.Met394Ile); c.*269G>T (NM_001352921.3); c.*232G>T (NM_001352922.2); short protein forms M394I.
Identifiers: ClinVar variation 255514 (VCV000255514.22), dbSNP rs34297805, ClinGen allele CA8817653.